The following is an entry in ClinVar:

NM_024079.5(ALG8):c.799T>C (p.Ser267Pro)

Gene: ALG8 (ALG8 alpha-1,3-glucosyltransferase; minus strand). Cytogenetic location: 11q14.1.
Variant type: single nucleotide variant.
Coding change: c.799T>C on transcript NM_024079.5 (MANE Select); coding-DNA position 799, T replaced by C.
Protein change: p.Ser267Pro; replaces serine 267 with proline.
Molecular consequence: missense variant.
Genome position (GRCh38, 1-based): chr11:78,112,749, A>G on the plus strand (T>C on the coding strand, the complement: ALG8 is on the minus strand). VCF-style: chr11-78112749-A-G. GRCh37 (hg19) VCF-style: chr11-77823795-A-G.
Other names: c.799T>C, p.Ser267Pro (NM_001007027.3); short protein forms S267P.
Identifiers: ClinVar variation 1709525 (VCV001709525.2), dbSNP rs761269699, ClinGen allele CA6203331.

ClinVar aggregate classification (germline): Uncertain significance (1 of 4 stars; one submission).

Conditions:
ALG8 congenital disorder of glycosylation. Also called: ALG8-CDG; CONGENITAL DISORDER OF GLYCOSYLATION, TYPE Ih; CDG Ih. Identifiers: Orphanet 79325, MedGen C2931002, MONDO:0011969, OMIM 608104.

Allele frequency attached by ClinVar (database versions not stated): gnomAD exomes below 0.00001; ExAC 0.00001.
gnomAD v4.1: 4 of 1,613,686 alleles (0.00025%); highest among the groups gnomAD compares: South Asian, 0.0044%; no homozygotes.

Submission:

MGZ Medical Genetics Center
Classification: Uncertain significance for ALG8 congenital disorder of glycosylation. Last evaluated: 2022-06-14. Review status: criteria provided, single submitter. Criteria: ACMG Guidelines, 2015. Collection method: clinical testing. Allele origin: germline. Affected: yes. Observed: 1 variant allele.
Comment: ACMG criteria applied: PS4_SUP, PM2_SUP, PM3_SUP, PP3